The following is an entry in ClinVar:

ClinVar aggregate classification (germline): Uncertain significance (1 of 4 stars; one submission).

Allele frequency attached by ClinVar (database versions not stated): gnomAD 0.00001 and 0.00002; TOPMed 0.00002.

Submission:

GeneDx
Classification: Uncertain significance. Last evaluated: 2019-07-29. Review status: criteria provided, single submitter. Criteria: GeneDx Variant Classification Process June 2021. Collection method: clinical testing. Allele origin: germline. Affected: yes.
Comment: Not observed in large population cohorts (Lek et al., 2016); In silico analysis, which includes protein predictors and evolutionary conservation, supports a deleterious effect; Has not been previously published as pathogenic or benign to our knowledge

NM_001371623.1(TCOF1):c.1003C>T (p.Pro335Ser)

Gene: TCOF1 (treacle ribosome biogenesis factor 1; plus strand). Cytogenetic location: 5q32.
Variant type: single nucleotide variant.
Coding change: c.1003C>T on transcript NM_001371623.1 (MANE Select); coding-DNA position 1003, C replaced by T.
Protein change: p.Pro335Ser; replaces proline 335 with serine.
Molecular consequence: missense variant.
Genome position (GRCh38, 1-based): chr5:150,374,306, C>T. VCF-style: chr5-150374306-C-T. GRCh37 (hg19) VCF-style: chr5-149753869-C-T.
Other names: c.772C>T, p.Pro258Ser (NM_000356.4, NM_001135245.2); c.1003C>T, p.Pro335Ser (NM_001008657.3, NM_001135243.2, NM_001135244.2 and 1 more transcripts); short protein forms P258S, P335S.
Identifiers: ClinVar variation 1307446 (VCV001307446.2), dbSNP rs1471334737, ClinGen allele CA361742714.
Genomic context (GRCh38, chr5:150,374,306, plus strand): 5'-GCTACCCCAGCACCCCCTGGGAAGGCAGGGGCTGTAGCCTCCCAGACCAAGGCAGGGAAG[C>T]CAGAGGAGGACTCAGAGAGCAGCAGCGAGGAGTCATCTGACAGTGAGGAGGAGACGCCAG-3'
Protein context (NP_001358552.1, residues 325-345): AVASQTKAGK[Pro335Ser]EEDSESSSEE